The following is an entry in ClinVar:

ClinVar aggregate classification (germline): Uncertain significance. Review status: criteria provided, multiple submitters, no conflicts (2 of 4 stars). 2 submissions from 2 submitters: Uncertain significance (2). Last evaluated 2025-07-30.

Conditions:
Inborn genetic diseases. Identifiers: MedGen C0950123, MeSH D030342.

Submissions (2):

Labcorp Genetics (formerly Invitae), Labcorp
Classification: Uncertain significance. Last evaluated: 2025-07-30. Review status: criteria provided, single submitter. Criteria: Invitae Variant Classification Sherloc (09022015). Collection method: clinical testing. Allele origin: germline.
Comment: This sequence change replaces serine, which is neutral and polar, with arginine, which is basic and polar, at codon 2819 of the ADGRV1 protein (p.Ser2819Arg). This variant is not present in population databases (gnomAD no frequency). This missense change has been observed in individual(s) with deafness (internal data). In at least one individual the data is consistent with being in trans (on the opposite chromosome) from a pathogenic variant. ClinVar contains an entry for this variant (Variation ID: 3500553). Invitae Evidence Modeling of protein sequence and biophysical properties (such as structural, functional, and spatial information, amino acid conservation, physicochemical variation, residue mobility, and thermodynamic stability) indicates that this missense variant is not expected to disrupt ADGRV1 protein function with a negative predictive value of 95%. In summary, the available evidence is currently insufficient to determine the role of this variant in disease. Therefore, it has been classified as a Variant of Uncertain Significance.

Ambry Genetics
Classification: Uncertain significance for Inborn genetic diseases. Last evaluated: 2024-08-28. Review status: criteria provided, single submitter. Criteria: Ambry Variant Classification Scheme 2023. Collection method: clinical testing. Allele origin: germline.

NM_032119.4(ADGRV1):c.8457T>G (p.Ser2819Arg)

Gene: ADGRV1 (adhesion G protein-coupled receptor V1; plus strand). Cytogenetic location: 5q14.3.
Variant type: single nucleotide variant.
Coding change: c.8457T>G on transcript NM_032119.4 (MANE Select); coding-DNA position 8457, T replaced by G.
Protein change: p.Ser2819Arg; replaces serine 2819 with arginine.
Molecular consequence: missense variant. On other transcripts: non-coding transcript variant (1).
Genome position (GRCh38, 1-based): chr5:90,705,470, T>G. VCF-style: chr5-90705470-T-G. GRCh37 (hg19) VCF-style: chr5-90001287-T-G.
Other names: short protein forms S2819R.
Identifiers: ClinVar variation 3500553 (VCV003500553.2).